The following is an entry in ClinVar:

ClinVar aggregate classification (germline): Pathogenic/Likely pathogenic. Review status: criteria provided, multiple submitters, no conflicts (2 of 4 stars). 34 submissions from 34 submitters: Pathogenic (28); Likely pathogenic (3). 3 of the submissions do not count toward it. Last evaluated 2026-05-01.

Conditions:
SPG7-related disorder. Also called: SPG7-related condition.
Proximal spinal muscular atrophy. Identifiers: Orphanet 70, MedGen C4024957, MONDO:0019079, HP:0006959.
Hereditary ataxia. Also called: Hereditary Ataxias. Identifiers: Orphanet 183518, MedGen C0004138, MONDO:0100309, MONDO:0000557.
Retinal dystrophy. Also called: Inherited retinal dystrophy. Identifiers: Orphanet 71862, MedGen C0854723, MeSH D058499, MONDO:0019118, HP:0000556.
Hereditary spastic paraplegia. Also called: Familial spastic paraparesis. Identifiers: Orphanet 685, MedGen C0037773, MONDO:0019064. Disease mechanism: loss of function.
Hereditary spastic paraplegia 7 (SPG7). Also called: SPASTIC PARAPLEGIA 7, AUTOSOMAL RECESSIVE, WITH OR WITHOUT CEREBELLAR ATAXIA; Spastic paraplegia 7; Hereditary spastic paraplegia Paraplegin type; SPG7-related neurologic disorder; Autosomal recessive spastic paraplegia type 7. Identifiers: Orphanet 99013, MedGen C1846564, MONDO:0011803, OMIM 607259.

Allele frequency attached by ClinVar (database versions not stated): gnomAD exomes 0.00028 and 0.00042; gnomAD 0.00019 and 0.00014; TOPMed 0.00010; ExAC 0.00047.
gnomAD v4.1: 436 of 1,613,200 alleles (0.027%); highest among the groups gnomAD compares: South Asian, 0.28%; 5 homozygotes.

Submissions 1 to 11 of 34:

CeGaT Center for Human Genetics Tuebingen
Classification: Pathogenic. Last evaluated: 2026-05-01. Review status: criteria provided, single submitter. Criteria: CeGaT Center For Human Genetics Tuebingen Variant Classification Criteria Version 2. Collection method: clinical testing. Allele origin: germline. Affected: yes. Observed: 6 variant alleles.
Comment: SPG7: PM3:Very Strong, PVS1, PM2:Supporting

Foundation for Research in Genetics and Endocrinology, FRIGE's Institute of Human Genetics
Classification: Pathogenic for Hereditary spastic paraplegia 7. Last evaluated: 2026-04-14. Review status: criteria provided, single submitter. Criteria: ACMG Guidelines, 2015. Collection method: clinical testing. Allele origin: germline. Inheritance: Autosomal recessive inheritance. Affected: yes. Observed: 1 variant allele, 1 homozygote.
Comment: A homozygous nonsense variant in exon 2 of the SPG7 gene that results in a stop codon and premature truncation of the protein at codon 78 (p.Leu78Ter) was detected. The variant has not been reported in the 1000 genomes databases and has a minor allele frequency of 0.01%, 0.04% and 0.01% in the gnomAD (v3.1), gnomAD (v2.1) and topmed databases respectively. The reference codon is conserved across species. In summary, the variant meets our criteria to be classified as pathogenic.

PreventionGenetics, part of Exact Sciences
Classification: Pathogenic for SPG7-related condition. Last evaluated: 2026-01-22. Review status: criteria provided, single submitter. Criteria: ACMG Guidelines, 2015. Collection method: clinical testing. Allele origin: germline.
Comment: The SPG7 c.233T>A variant is predicted to result in premature protein termination (p.Leu78*). This variant has been reported in the compound heterozygous or homozygous state in many individuals with hereditary spastic paraplegia (Arnoldi et al. 2008. PubMed ID: 18200586; Perić et al. 2022. PubMed ID: 36139378; Klebe et al. 2012. PubMed ID: 23065789). In addition, one study suggested that this variant may act in a dominant fashion: however, no evidence beyond segregation in the family was provided (Sánchez-Ferrero et al. 2013. PubMed ID: 22571692). This variant is reported in 0.28% of alleles in individuals of South Asian descent in gnomAD, which would be much too frequent for an autosomal dominant disorder. Nonsense variants in SPG7 are expected to be pathogenic. This variant is interpreted as pathogenic for autosomal recessive SPG7-related disorders.

Labcorp Genetics (formerly Invitae), Labcorp
Classification: Pathogenic for Hereditary spastic paraplegia 7. Last evaluated: 2026-01-11. Review status: criteria provided, single submitter. Criteria: Invitae Variant Classification Sherloc (09022015). Collection method: clinical testing. Allele origin: germline.
Comment: This sequence change creates a premature translational stop signal (p.Leu78*) in the SPG7 gene. It is expected to result in an absent or disrupted protein product. Loss-of-function variants in SPG7 are known to be pathogenic (PMID: 21623769, 22964162). This variant is present in population databases (rs121918358, gnomAD 0.3%), including at least one homozygous and/or hemizygous individual. This premature translational stop signal has been observed in individual(s) with clinical features of autosomal recessive hereditary spastic paraplegia (PMID: 18200586, 22571692, 24727571). In at least one individual the data is consistent with being in trans (on the opposite chromosome) from a pathogenic variant. It has also been observed to segregate with disease in related individuals. ClinVar contains an entry for this variant (Variation ID: 6816). For these reasons, this variant has been classified as Pathogenic.

Dasa
Classification: Pathogenic. Last evaluated: 2025-09-25. Review status: criteria provided, single submitter. Criteria: DASA Assertion Criteria. Collection method: clinical testing. Allele origin: germline.
Comment: NM_003119.4(SPG7):c.233T>A (p.Leu78*) introduces a premature termination codon predicted to result in loss of normal protein function. Loss-of-function is an established mechanism of disease for this gene. This variant has been observed in affected individuals with related phenotype in a genotype context consistent with recessive disease (PMID: 24727571; PMID: 22571692; PMID: 18200586; PMID: 34234304; PMID: 35869996). This variant has been recurrently observed in individuals with related phenotype (PMID: 24727571; PMID: 22571692; PMID: 18200586; PMID: 34234304; PMID: 35869996). The variant is present at low frequency in population datasets. Based on the available data, this variant is classified as pathogenic.

First Genomix Gene Laboratory, Genetic Diagnostics Department
Classification: Pathogenic for Hereditary spastic paraplegia 7. Last evaluated: 2025-03-21. Review status: criteria provided, single submitter. Criteria: ACMG Guidelines, 2015. Collection method: clinical testing. Allele origin: germline. Inheritance: Autosomal recessive inheritance. Affected: no. Observed: 1 variant allele.

Molecular Genetics Laboratory, BC Children's and BC Women's Hospitals
Classification: Pathogenic for Hereditary spastic paraplegia 7. Last evaluated: 2025-03-14. Review status: criteria provided, single submitter. Criteria: ACMG Guidelines, 2015. Collection method: clinical testing. Allele origin: paternal. Affected: yes.

Blueprint Genetics
Classification: Pathogenic for SPG7-related disorders. Last evaluated: 2024-11-13. Review status: criteria provided, single submitter. Criteria: ACMG Guidelines, 2015. Collection method: clinical testing. Allele origin: germline. Affected: yes. Observed: 5 variant alleles.

Athena Diagnostics
Classification: Pathogenic. Last evaluated: 2024-11-05. Review status: criteria provided, single submitter. Criteria: Athena Diagnostics Criteria. Collection method: clinical testing. Allele origin: unknown.
Comment: This variant is expected to result in the loss of a functional protein. The frequency of this variant in the general population is consistent with pathogenicity. This variant has been identified in multiple unrelated individuals with clinical features associated with this gene.

Victorian Clinical Genetics Services, Murdoch Childrens Research Institute
Classification: Pathogenic for Hereditary spastic paraplegia 7. Last evaluated: 2024-10-08. Review status: criteria provided, single submitter. Criteria: ACMG Guidelines, 2015. Collection method: clinical testing. Allele origin: germline. Inheritance: Autosomal recessive inheritance.
Comment: Based on the classification scheme VCGS_Germline_v1.3.4, this variant is classified as Pathogenic. Following criteria are met: 0102 - Loss of function is a known mechanism of disease in this gene and is associated with spastic paraplegia 7 (MIM#607259) and optical atrophy (MONDO:0003608). (I) 0108 - This gene is associated with both recessive and dominant disease. This gene is associated with autosomal recessive spastic paraplegia 7 and autosomal dominant optical atrophy (PMIDs: 31854126, 32548275). (I) 0201 - Variant is predicted to cause nonsense-mediated decay (NMD) and loss of protein (premature termination codon is located at least 54 nucleotides upstream of the final exon-exon junction). (SP) 0251 - This variant is heterozygous. (I) 0304 - Variant is present in gnomAD <0.01 (v2: 108 heterozygotes, 2 homozygotes). (SP) 0701 - Other NMD-predicted variants comparable to the one identified in this case have very strong previous evidence for pathogenicity (DECIPHER). (SP) 0801 - This variant has strong previous evidence of pathogenicity in unrelated individuals. This variant has been reported many times as pathogenic, and observed in compound heterozygous and homozygous individuals with spastic paraplegia (ClinVar, PMIDs: 23065789, 36139378). (SP) 1208 - Inheritance information for this variant is not currently available in this individual. (I) Legend: (SP) - Supporting pathogenic, (I) - Information, (SB) - Supporting benign

Fulgent Genetics
Classification: Likely pathogenic for Hereditary spastic paraplegia 7. Last evaluated: 2024-03-14. Review status: criteria provided, single submitter. Criteria: ACMG Guidelines, 2015. Collection method: clinical testing. Allele origin: germline.

NM_003119.4(SPG7):c.233T>A (p.Leu78Ter)

Gene: SPG7 (SPG7 matrix AAA peptidase subunit, paraplegin; plus strand). Cytogenetic location: 16q24.3.
Variant type: single nucleotide variant.
Coding change: c.233T>A on transcript NM_003119.4 (MANE Select); coding-DNA position 233, T replaced by A.
Protein change: p.Leu78Ter; replaces leucine 78 with a stop codon.
Molecular consequence: nonsense.
Genome position (GRCh38, 1-based): chr16:89,510,539, T>A. VCF-style: chr16-89510539-T-A. GRCh37 (hg19) VCF-style: chr16-89576947-T-A.
Other names: p.L78*:TTG>TAG; p.Leu78Ter; c.233T>A, p.Leu78Ter (NM_001363850.1, NM_199367.3); short protein forms L78*.
Identifiers: ClinVar variation 6816 (VCV000006816.97), dbSNP rs121918358, ClinGen allele CA253966.